The following continues an entry in ClinVar:

NM_005476.7(GNE):c.2086G>A (p.Val696Met)

Gene: GNE. ClinVar aggregate classification (germline): Conflicting classifications of pathogenicity. Pathogenic (21); Likely pathogenic (10); Uncertain significance (1).

Submissions 9 to 29 of 41:

First Genomix Gene Laboratory, Genetic Diagnostics Department
Classification: Likely pathogenic for GNE myopathy; Thrombocytopenia 12 with or without myopathy. Last evaluated: 2025-04-11. Review status: criteria provided, single submitter. Criteria: ACMG Guidelines, 2015. Collection method: clinical testing. Allele origin: germline. Inheritance: Autosomal recessive inheritance. Affected: no. Observed: 1 variant allele.

Genetics and Genomic Medicine Centre, NeuroGen Healthcare, NeuroGen Healthcare
Classification: Likely pathogenic for GNE myopathy. Last evaluated: 2025-01-30. Review status: criteria provided, single submitter. Criteria: ACMG Guidelines, 2015. Collection method: clinical testing. Allele origin: unknown. Affected: yes.

Blueprint Genetics
Classification: Likely pathogenic for GNE-related disorders. Last evaluated: 2024-11-26. Review status: criteria provided, single submitter. Criteria: ACMG Guidelines, 2015. Collection method: clinical testing. Allele origin: germline. Affected: yes. Observed: 5 variant alleles.

Mayo Clinic Laboratories, Mayo Clinic
Classification: Pathogenic. Last evaluated: 2024-10-11. Review status: criteria provided, single submitter. Criteria: ACMG Guidelines, 2015. Collection method: clinical testing. Allele origin: germline. Observed: 2 variant alleles.
Comment: PP1, PP3, PM3_strong, PS3, PS4

Victorian Clinical Genetics Services, Murdoch Childrens Research Institute
Classification: Pathogenic for GNE myopathy. Last evaluated: 2024-10-09. Review status: criteria provided, single submitter. Criteria: ACMG Guidelines, 2015. Collection method: clinical testing. Allele origin: germline. Inheritance: Autosomal recessive inheritance. Affected: yes.
Comment: Based on the classification scheme VCGS_Germline_v1.3.4, this variant is classified as Pathogenic. Following criteria are met: 0102 - Loss of function is a known mechanism of disease in this gene and is associated with Nonaka myopathy (MIM#605820) and Sialuria (MIM#269921). (I) 0108 - This gene is associated with both recessive and dominant disease. Variants associated with Sialuria (MIM#2699210) are located at codons Arg263 and Arg266 (PMID: 23842869). (I) 0200 - Variant is predicted to result in a missense amino acid change from alanine to valine. (I) 0251 - This variant is heterozygous. (I) 0305 - Variant is present in gnomAD (v2) >=0.01 and <0.03 for a recessive condition (418 heterozygotes, 2 homozygotes). (I) 0309 - An alternative amino acid change at the same position has been observed in gnomAD (v2) (252 heterozygotes, 0 homozygotes). (I) 0502 - Missense variant with conflicting in silico predictions and very? high conservation. (I) 0600 - Variant is located in an annotated kinase domain (PMID: 11528398). (I) 0801 - This variant has strong previous evidence of pathogenicity in unrelated individuals. This variant has been observed as compound heterozygous in many individuals with GNE-related myopathy, and has also been observed as homozygous in at least three individuals with late onset myopathy (ClinVar, PMIDs: 11528398, 33250842, 27858732, 28320138). (SP) 1208 - Inheritance information for this variant is not currently available in this individual. (I) Legend: (SP) - Supporting pathogenic, (I) - Information, (SB) - Supporting benign

Kariminejad - Najmabadi Pathology & Genetics Center
Classification: Likely pathogenic for GNE myopathy. Last evaluated: 2024-07-19. Review status: criteria provided, single submitter. Criteria: ACMG Guidelines, 2015. Collection method: clinical testing. Allele origin: germline. Inheritance: Autosomal recessive inheritance. Affected: yes.
Comment: PP3, PM1, PM3, PP1)

3billion
Classification: Pathogenic for GNE myopathy. Last evaluated: 2024-06-28. Review status: criteria provided, single submitter. Criteria: ACMG Guidelines, 2015. Collection method: clinical testing. Allele origin: germline. Affected: yes.
Comment: The variant is observed at an extremely low frequency in the gnomAD v4.0.0 dataset (total allele frequency: 0.075%). Predicted Consequence/Location: Missense variant In silico tool predictions suggest damaging effect of the variant on gene or gene product [REVEL: 0.86 (>=0.6, sensitivity 0.68 and specificity 0.92)]. The same nucleotide change resulting in the same amino acid change has been previously reported as pathogenic/likely pathogenic with strong evidence (ClinVar ID: VCV000006028 /PMID: 11528398 /3billion dataset). The variant has been observed in multiple similarly affected unrelated individuals (PMID: 21708040, 27858732, 29480215, 33250842). Therefore, this variant is classified as Pathogenic according to the recommendation of ACMG/AMP guideline.

Fulgent Genetics
Classification: Pathogenic for Sialuria; GNE myopathy; Thrombocytopenia 12 with or without myopathy. Last evaluated: 2024-04-10. Review status: criteria provided, single submitter. Criteria: ACMG Guidelines, 2015. Collection method: clinical testing. Allele origin: germline.

Baylor Genetics
Classification: Pathogenic for GNE myopathy. Last evaluated: 2024-03-30. Review status: criteria provided, single submitter. Criteria: ACMG Guidelines, 2015. Collection method: clinical testing. Allele origin: unknown.

Genetics and Genomic Medicine Centre, NeuroGen Healthcare, NeuroGen Healthcare
Classification: Likely pathogenic for Sialuria. Last evaluated: 2024-03-09. Review status: criteria provided, single submitter. Criteria: ACMG Guidelines, 2015. Collection method: clinical testing. Allele origin: unknown. Affected: yes.

Illumina Laboratory Services, Illumina
Classification: Pathogenic for GNE myopathy. Last evaluated: 2024-02-13. Review status: criteria provided, single submitter. Criteria: ICSLVariantClassificationCriteria RUGD 01 April 2020. Collection method: clinical testing. Allele origin: unknown.
Comment: The GNE c.2086G>A p.(Val696Met) missense variant, also known as c c.2179G>A p.(Val727Met), is a well-described founder variant in South East Asia associated with GNE-related myopathy. Evidence supporting this pathogenic classification includes observations of this variant in a compound heterozygous state in individuals with a consistent phenotype, in whom it has been shown to segregate with disease (PMID: 11528398; 16810679; 20175955; 21708040; 24005727; 24695763; 25182749; 20301439). The highest frequency of this allele in the Genome Aggregation Database is 0.01241 in the South Asian population, which includes 12 homozygotes (version 4.0.0). This frequency is high but is consistent with disease prevalence estimates. This variant is located in the kinase domain (PMID: 24796702). Multiple lines of computational evidence suggest the variant may impact the gene or gene product and This variant has been classified as pathogenic by at least three submitters in ClinVar. Based on the available evidence, the c.2086G>A p.(Val696Met) variant is classified as pathogenic for GNE-related myopathy.

GeneDx
Classification: Pathogenic. Last evaluated: 2024-02-06. Review status: criteria provided, single submitter. Criteria: GeneDx Variant Classification Process June 2021. Collection method: clinical testing. Allele origin: germline. Affected: yes.
Comment: Missense variants in this gene are a common cause of disease and they are underrepresented in the general population; In silico analysis supports that this missense variant does not alter protein structure/function; This variant is associated with the following publications: (PMID: 31561939, 25002140, 20059379, 24796702, 24695763, 24707269, 11528398, 27535533, 27829678, 20175955, 19917666, 28717665, 27457812, 24005727, 29997562, 12497639, 16810679, 25182749, 25617006, 14972325, 21708040, 29480215, 30564623, 31589614, 33250842, 37366078, 35933247, 36344503, 33197058, 34825065, 31069529, 35723113, 35398442)

Daryl Scott Lab, Baylor College of Medicine
Classification: Pathogenic for GNE-related disorder. Last evaluated: 2024-01-01. Review status: criteria provided, single submitter. Criteria: ACMG Guidelines, 2015. Collection method: clinical testing. Allele origin: paternal. Affected: yes. Observed: 1 heterozygote.
Comment: PS4, PM3, PP1

Mendelics
Classification: Pathogenic for Sialuria. Last evaluated: 2022-05-04. Review status: criteria provided, single submitter. Criteria: Mendelics Assertion Criteria 2019. Collection method: clinical testing. Allele origin: germline.

Department of Pathology and Laboratory Medicine, Sinai Health System
Classification: Uncertain significance for GNE myopathy. Last evaluated: 2022-03-31. Review status: criteria provided, single submitter. Criteria: ACMG Guidelines, 2015. Collection method: research. Allele origin: germline.

Genetics and Molecular Pathology, SA Pathology
Classification: Likely pathogenic for GNE myopathy. Last evaluated: 2021-05-06. Review status: criteria provided, single submitter. Criteria: ACMG Guidelines, 2015. Collection method: clinical testing. Allele origin: germline. Inheritance: Autosomal recessive inheritance. Affected: yes.
Comment: This variant has been associated with GNE myopathy when in combination with a pathogenic variant on the other allele. No current reports of affected individuals het or hom for this variant.

Dubai Health Genomic Medicine Center, Dubai Health
Classification: Likely pathogenic for GNE myopathy. Last evaluated: 2020-04-28. Review status: criteria provided, single submitter. Criteria: ACMG Guidelines, 2015. Collection method: clinical testing. Allele origin: germline. Affected: yes.

Fulgent Genetics
Classification: Likely pathogenic for Sialuria; GNE myopathy. Last evaluated: 2018-10-31. Review status: criteria provided, single submitter. Criteria: ACMG Guidelines, 2015. Collection method: clinical testing. Allele origin: unknown.

Eurofins Ntd Llc (ga)
Classification: Pathogenic. Last evaluated: 2018-04-13. Review status: criteria provided, single submitter. Criteria: EGL ClinVar v180209 classification definitions. Collection method: clinical testing. Allele origin: germline. Observed: 28 variant alleles, 27 heterozygotes, 1 homozygote.

GenePathDx, GenePath diagnostics
Classification: Pathogenic for Nonaka myopathy / Inclusion body myopathy 2. Last evaluated: 2017-03-01. Review status: criteria provided, single submitter. Criteria: GenePathDx_Criteria_classificationV2. Collection method: clinical testing. Allele origin: germline. Inheritance: Autosomal recessive inheritance. Affected: yes. Observed: 1 variant allele.
Comment: The weakness appears to be more in distal areas than proximal limb and lower limb is affected more than upper limbs. Next generation DNA sequencing of peripheral blood sample has revealed the presence of two pathogenic variants c.2086 G>A and c.1571C>T in the GNE gene consistent with the diagnosis of Nonaka myopathy or inclusion body myopathy 2/ distal myopathy with rimmed vacuoles.

Baylor Genetics
Classification: Pathogenic for GNE myopathy; Sialuria. Review status: criteria provided, single submitter. Criteria: ACMG Guidelines, 2015. Collection method: clinical testing. Allele origin: germline.